The following is an entry in ClinVar:

NM_014797.3(ZBTB24):c.1891C>G (p.Gln631Glu)

Gene: ZBTB24 (zinc finger and BTB domain containing 24; minus strand). Cytogenetic location: 6q21.
Variant type: single nucleotide variant.
Coding change: c.1891C>G on transcript NM_014797.3 (MANE Select); coding-DNA position 1891, C replaced by G.
Protein change: p.Gln631Glu; replaces glutamine 631 with glutamic acid.
Molecular consequence: missense variant.
Genome position (GRCh38, 1-based): chr6:109,466,054, G>C on the plus strand (C>G on the coding strand, the complement: ZBTB24 is on the minus strand). VCF-style: chr6-109466054-G-C. GRCh37 (hg19) VCF-style: chr6-109787257-G-C.
Other names: short protein forms Q631E.
Identifiers: ClinVar variation 1032639 (VCV001032639.3), dbSNP rs1213062476, ClinGen allele CA365194569.

ClinVar aggregate classification (germline): Uncertain significance. Review status: criteria provided, multiple submitters, no conflicts (2 of 4 stars). 2 submissions from 2 submitters: Uncertain significance (2). Last evaluated 2022-05-10.

Conditions:
Immunodeficiency-centromeric instability-facial anomalies syndrome 2 (ICF2). Identifiers: Orphanet 2268, MedGen C3279748, MONDO:0013553, OMIM 614069.

Allele frequency attached by ClinVar (database versions not stated): gnomAD 0.00001; gnomAD exomes 0.00001 and 0.00002.
gnomAD v4.1: 37 of 1,614,088 alleles (0.0023%); highest among the groups gnomAD compares: Non-Finnish European, 0.0031%; no homozygotes.

Submissions (2):

Labcorp Genetics (formerly Invitae), Labcorp
Classification: Uncertain significance for Immunodeficiency-centromeric instability-facial anomalies syndrome 2. Last evaluated: 2022-05-10. Review status: criteria provided, single submitter. Criteria: Invitae Variant Classification Sherloc (09022015). Collection method: clinical testing. Allele origin: germline.
Comment: This sequence change replaces glutamine, which is neutral and polar, with glutamic acid, which is acidic and polar, at codon 631 of the ZBTB24 protein (p.Gln631Glu). The frequency data for this variant in the population databases is considered unreliable, as metrics indicate poor data quality at this position in the gnomAD database. This variant has not been reported in the literature in individuals affected with ZBTB24-related conditions. ClinVar contains an entry for this variant (Variation ID: 1032639). Algorithms developed to predict the effect of missense changes on protein structure and function are either unavailable or do not agree on the potential impact of this missense change (SIFT: "Not Available"; PolyPhen-2: "Benign"; Align-GVGD: "Not Available"). In summary, the available evidence is currently insufficient to determine the role of this variant in disease. Therefore, it has been classified as a Variant of Uncertain Significance.

Baylor Genetics
Classification: Uncertain significance for Immunodeficiency-centromeric instability-facial anomalies syndrome 2. Last evaluated: 2018-12-14. Review status: criteria provided, single submitter. Criteria: ACMG Guidelines, 2015. Collection method: clinical testing. Allele origin: paternal. Affected: yes.
Comment: This variant was determined to be of uncertain significance according to ACMG Guidelines, 2015 [PMID:25741868].